The following is an entry in ClinVar:

ClinVar aggregate classification (germline): Likely pathogenic (1 of 4 stars; one submission).

Conditions:
Cholestasis, progressive familial intrahepatic, 4. Identifiers: Orphanet 480483, Orphanet 79304, MedGen C2931067, MONDO:0014381, OMIM 615878.

Allele frequency attached by ClinVar (database versions not stated): gnomAD 0.00001; gnomAD exomes 0.00001.

Submission:

Molecular Genetics Department, Kulakov National Medical Research Center for Obstetrics, Gynecology and Perinatology
Classification: Likely pathogenic for Cholestasis, progressive familial intrahepatic, 4. Review status: criteria provided, single submitter. Criteria: ACMG Guidelines, 2015. Collection method: clinical testing. Allele origin: germline. Affected: yes.
Comment: A previously undescribed nucleotide variant creates a missense p.His788Leu in the TJP2 gene. The variant was observed in compound heterozygous state with a known pathogenic variant in two sibs affected with cholestasis syndrome. Homozygous and compound heterozygous variants are reported in patients with Cholestasis, progressive familial intrahepatic 4, 615878. The variant is not present in population database (gnomAD no frequency). In summary, the currently available evidence indicates that the variant is pathogenic, but additional data are needed to prove that conclusively. Therefore, this variant has been classified as likely pathogenic.

NM_004817.4(TJP2):c.2363A>T (p.His788Leu)

Gene: TJP2 (tight junction protein 2; plus strand). Cytogenetic location: 9q21.11.
Variant type: single nucleotide variant.
Coding change: c.2363A>T on transcript NM_004817.4 (MANE Select); coding-DNA position 2363, A replaced by T.
Protein change: p.His788Leu; replaces histidine 788 with leucine.
Molecular consequence: missense variant.
Genome position (GRCh38, 1-based): chr9:69,239,944, A>T. VCF-style: chr9-69239944-A-T. GRCh37 (hg19) VCF-style: chr9-71854860-A-T.
Other names: c.2294A>T, p.His765Leu (NM_001170414.2, NM_001369871.1); c.2375A>T, p.His792Leu (NM_001170415.1, NM_001369874.1, NM_001369875.1); c.2456A>T, p.His819Leu (NM_001170416.2); c.2288A>T, p.His763Leu (NM_001369870.1); c.2363A>T, p.His788Leu (NM_001369872.1, NM_001369873.1, NM_201629.3); short protein forms H763L, H765L, H788L, H792L, H819L.
Identifiers: ClinVar variation 3062313 (VCV003062313.1), dbSNP rs1830470553, ClinGen allele CA373533853.
Genomic context (GRCh38, chr9:69,239,944, plus strand): 5'-TGCTATATTACTTTATATATCCATTTCTCTAACTTTTCCCCTTTTGTAAACAGGATAAGC[A>T]TGCACTACTGGATGTGACTCCGAAAGCTGTGGACCTGTTGAATTACACCCAGTGGTTCCC-3'
Protein context (NP_004808.2, residues 778-798): TVRQIIEQDK[His788Leu]ALLDVTPKAV